The following is an entry in ClinVar:

ClinVar aggregate classification (germline): Pathogenic/Likely pathogenic. Review status: criteria provided, multiple submitters, no conflicts (2 of 4 stars). 12 submissions from 12 submitters: Pathogenic (7); Likely pathogenic (4). 1 of the submissions does not count toward it. Last evaluated 2026-03-30.

Conditions:
Intellectual disability, autosomal dominant 9 (NESCAVS). Also called: NESCAV SYNDROME; KIF1A-Related Neurodevelopmental Disorder. Identifiers: Orphanet 662367, MedGen C5393830, MONDO:0013656, OMIM 614255.
Hereditary spastic paraplegia 30. Identifiers: Orphanet 101010, MedGen C5235139, MONDO:0012476.
Spastic paraplegia 30B, autosomal recessive. Identifiers: MedGen C5935571, MONDO:0971149, OMIM 620607.
Neuropathy, hereditary sensory, type 2C. Also called: Hereditary sensory and autonomic neuropathy type IIC; KIF1A-Related HSAN2 (HSAN2C). Identifiers: Orphanet 970, MedGen C3280168, MONDO:0013634, OMIM 614213.
KIF1A-related disorder. Also called: KIF1A-related disorders; KIF1A-related condition.
Spastic paraplegia 30A, autosomal dominant. Identifiers: MedGen CN380650, MONDO:0700307, OMIM 610357.

Allele frequency attached by ClinVar (database versions not stated): gnomAD exomes below 0.00001.
gnomAD v4.1: 1 of 1,611,808 alleles (0.000062%); highest among the groups gnomAD compares: Non-Finnish European, 0.000085%; no homozygotes.

Submissions (12):

Dasa
Classification: Pathogenic. Last evaluated: 2026-03-30. Review status: criteria provided, single submitter. Criteria: DASA Assertion Criteria. Collection method: clinical testing. Allele origin: germline.
Comment: NM_001244008.2(KIF1A):c.32G>A (p.Arg11Gln) is a missense variant that results in the substitution of arginine with glutamine. The affected residue or protein region has prior evidence supporting clinical relevance. De novo occurrence has been reported in an individual with related phenotype. This variant has been recurrently observed in individuals with related phenotype (PMID: 32096284; PMID: 33880452; PMID: 41560358; PMID: 34445196; PMID: 31785789). Multiple computational predictions support a deleterious effect on the gene or gene product. The variant is present at low frequency in population datasets. Based on the available data, this variant is classified as pathogenic.

Labcorp Genetics (formerly Invitae), Labcorp
Classification: Pathogenic for Hereditary spastic paraplegia 30; Neuropathy, hereditary sensory, type 2C; Intellectual disability, autosomal dominant 9. Last evaluated: 2024-07-04. Review status: criteria provided, single submitter. Criteria: Invitae Variant Classification Sherloc (09022015). Collection method: clinical testing. Allele origin: germline.
Comment: This sequence change replaces arginine, which is basic and polar, with glutamine, which is neutral and polar, at codon 11 of the KIF1A protein (p.Arg11Gln). This variant is not present in population databases (gnomAD no frequency). This missense change has been observed in individual(s) with autosomal dominant KIF1A-related conditions (PMID: 32096284; Invitae). In at least one individual the variant was observed to be de novo. ClinVar contains an entry for this variant (Variation ID: 654820). Advanced modeling of protein sequence and biophysical properties (such as structural, functional, and spatial information, amino acid conservation, physicochemical variation, residue mobility, and thermodynamic stability) performed at Invitae indicates that this missense variant is expected to disrupt KIF1A protein function with a positive predictive value of 95%. This variant disrupts the p.Arg11 amino acid residue in KIF1A. Other variant(s) that disrupt this residue have been determined to be pathogenic (PMID: 28832565). This suggests that this residue is clinically significant, and that variants that disrupt this residue are likely to be disease-causing. For these reasons, this variant has been classified as Pathogenic.

GeneDx
Classification: Pathogenic. Last evaluated: 2023-12-10. Review status: criteria provided, single submitter. Criteria: GeneDx Variant Classification Process June 2021. Collection method: clinical testing. Allele origin: germline.
Comment: Published functional studies demonstrate that this variant causes loss of function (PMID: 35917346); In silico analysis supports that this missense variant has a deleterious effect on protein structure/function; Not observed at significant frequency in large population cohorts (gnomAD); This variant is associated with the following publications: (PMID: 35163618, 33880452, 34445196, 31785789, Anazawa2022[Preprint], 34487232, Chai2023[functionalstudy], 34758253, 32096284, 26125038, 21820098, 21376300, 35917346)

Blueprint Genetics
Classification: Likely pathogenic for KIF1A-related disorders. Last evaluated: 2022-09-30. Review status: criteria provided, single submitter. Criteria: ACMG Guidelines, 2015. Collection method: clinical testing. Allele origin: germline. Affected: yes. Observed: 1 variant allele.

Kariminejad - Najmabadi Pathology & Genetics Center
Classification: Pathogenic for Intellectual disability, autosomal dominant 9; Spastic paraplegia 30A, autosomal dominant; Spastic paraplegia 30B, autosomal recessive. Last evaluated: 2022-06-30. Review status: criteria provided, single submitter. Criteria: ACMG Guidelines, 2015. Collection method: clinical testing. Allele origin: germline. Inheritance: Autosomal dominant inheritance. Affected: yes.

Women's Health and Genetics/Laboratory Corporation of America, LabCorp
Classification: Likely pathogenic for Intellectual disability, autosomal dominant 9. Last evaluated: 2021-11-11. Review status: criteria provided, single submitter. Criteria: LabCorp Variant Classification Summary - May 2015. Collection method: clinical testing. Allele origin: germline.
Comment: Variant summary: KIF1A c.32G>A (p.Arg11Gln) results in a conservative amino acid change located in the Kinesin motor domain (IPR001752) of the encoded protein sequence. Four of five in-silico tools predict a damaging effect of the variant on protein function. A different amino acid change at the same location, c.31C>T (p.Arg11Trp) has been reported in settings of spastic paraplegia in the HGMD database supporting the functional relevance of this residue to overall protein function. The variant was absent in 244322 control chromosomes. c.32G>A has been reported in the literature as a de-novo variant in at-least one individual with a developmental disorder and as an unknown inheritance in two individuals with features of KIF1A-related disorders/KIF1A-related neurological disorder (Turner_2019, Nemani_2020, Boyle_2021). These data indicate that the variant may be associated with disease. To our knowledge, no experimental evidence demonstrating an impact on protein function has been reported. Four clinical diagnostic laboratories have submitted clinical-significance assessments for this variant to ClinVar after 2014 without evidence for independent evaluation. All laboratories classified the variant as pathogenic (n=1)/likely pathogenic (n=3). Based on the evidence outlined above, the variant was classified as likely pathogenic.

Molecular Medicine for Neurodegenerative and Neuromuscular Diseases Unit, IRCCS Fondazione Stella Maris
Classification: Pathogenic for Spastic paraplegia 30A, autosomal dominant. Last evaluated: 2021-01-04. Review status: criteria provided, single submitter. Criteria: ACMG Guidelines, 2015. Collection method: research. Allele origin: de novo. Affected: yes.

Baylor Genetics
Classification: Likely pathogenic for Intellectual disability, autosomal dominant 9. Last evaluated: 2020-07-22. Review status: criteria provided, single submitter. Criteria: ACMG Guidelines, 2015. Collection method: clinical testing. Allele origin: unknown. Affected: yes.
Comment: This variant was determined to be likely pathogenic according to ACMG Guidelines, 2015 [PMID:25741868].

SIB Swiss Institute of Bioinformatics
Classification: Likely pathogenic for Spastic paraplegia 30A, autosomal dominant. Last evaluated: 2020-06-15. Review status: criteria provided, single submitter. Criteria: ACMG Guidelines, 2015. Collection method: curation. Allele origin: unknown.
Comment: This variant is interpreted as likely pathogenic for spastic paraplegia 30, autosomal dominant. The following ACMG Tag(s) were applied: Absent from controls (or at extremely low frequency if recessive) in Exome Sequencing Project, 1000 Genomes Project, or Exome Aggregation Consortium (PM2); Novel missense change at an amino acid residue where a different missense change determined to be pathogenic has been seen before (PM5); Multiple lines of computational evidence support a deleterious effect on the gene or gene product (PP3); Missense variant in a gene that has a low rate of benign missense variation and in which missense variants are a common mechanism of disease (PP2).

Clinical Genetics Service, Universitary Hospital 12 de Octubre
Classification: Pathogenic for Spastic paraplegia 30A, autosomal dominant. Review status: criteria provided, single submitter. Criteria: ACMG Guidelines, 2015. Collection method: clinical testing. Allele origin: germline. Affected: yes.

Paris Brain Institute, Inserm - ICM
Classification: Pathogenic for Spastic paraplegia 30A, autosomal dominant. Review status: criteria provided, single submitter. Criteria: ACMG Guidelines, 2015. Collection method: clinical testing. Allele origin: unknown. Affected: yes. Observed: 1 variant allele.

Genomics England Pilot Project, Genomics England
Classification: Likely pathogenic for Spastic paraplegia 30A, autosomal dominant. Review status: no assertion criteria provided. Criteria: ACGS Guidelines, 2016. Collection method: clinical testing. Allele origin: germline. Affected: yes. Not counted in ClinVar's aggregate classification.

Literature cited by the submitters: PubMed 32096284 (cited by 4 submitters); PubMed 33880452 (cited by Dasa and Women's Health and Genetics/Laboratory Corporation of America, LabCorp); PubMed 41560358 (cited by Dasa); PubMed 34445196 (cited by Dasa); PubMed 31785789 (cited by Dasa and Women's Health and Genetics/Laboratory Corporation of America, LabCorp); PubMed 28832565 (cited by Labcorp Genetics (formerly Invitae), Labcorp).

NM_001244008.2(KIF1A):c.32G>A (p.Arg11Gln)

Gene: KIF1A (kinesin family member 1A; minus strand). Cytogenetic location: 2q37.3.
Variant type: single nucleotide variant.
Coding change: c.32G>A on transcript NM_001244008.2 (MANE Select); coding-DNA position 32, G replaced by A.
Protein change: p.Arg11Gln; replaces arginine 11 with glutamine.
Molecular consequence: missense variant.
Genome position (GRCh38, 1-based): chr2:240,797,721, C>T on the plus strand (G>A on the coding strand, the complement: KIF1A is on the minus strand). VCF-style: chr2-240797721-C-T. GRCh37 (hg19) VCF-style: chr2-241737138-C-T.
Other names: c.32G>A, p.Arg11Gln (NM_001320705.2, NM_001330289.2, NM_001330290.2 and 20 more transcripts); short protein forms R11Q.
Identifiers: ClinVar variation 654820 (VCV000654820.28), dbSNP rs1575654528, ClinGen allele CA351315977.